The following is an entry in ClinVar:

ClinVar aggregate classification (germline): Uncertain significance (1 of 4 stars; one submission).

Submission:

GeneDx
Classification: Uncertain significance. Last evaluated: 2022-06-02. Review status: criteria provided, single submitter. Criteria: GeneDx Variant Classification Process June 2021. Collection method: clinical testing. Allele origin: germline. Affected: yes.
Comment: Not observed at significant frequency in large population cohorts (gnomAD); Frameshift variant predicted to result in protein truncation as the last 70 amino acids are replaced with 4 different amino acids, although loss-of-function variants have not been reported downstream of this position in the protein; Has not been previously published as pathogenic or benign to our knowledge

NM_021098.3(CACNA1H):c.6851del (p.Gly2284fs)

Gene: CACNA1H (calcium voltage-gated channel subunit alpha1 H; plus strand). Cytogenetic location: 16p13.3.
Variant type: Deletion.
Coding change: c.6851del on transcript NM_021098.3 (MANE Select); coding-DNA position 6851, one base deleted (G; older notation c.6851delG).
Protein change: p.Gly2284fs; shifts the reading frame from glycine 2284.
Molecular consequence: frameshift variant.
Genome position (GRCh38, 1-based): chr16:1,220,783, G deleted; the last of 2 consecutive G bases (chr16:1,220,782-1,220,783); deleting either gives the same sequence. VCF-style (leftmost placement, unchanged base first): chr16-1220781-CG-C. GRCh37 (hg19) VCF-style: chr16-1270781-CG-C.
Other names: c.6833del, p.Gly2278fs (NM_001005407.2); short protein forms G2278fs, G2284fs.
Identifiers: ClinVar variation 1801880 (VCV001801880.1), dbSNP rs2548740183, ClinGen allele CA2580090454.